The following is an entry in ClinVar:

NM_000059.4(BRCA2):c.9613G>C (p.Ala3205Pro)

Gene: BRCA2 (BRCA2 DNA repair associated; plus strand). Cytogenetic location: 13q13.1.
Variant type: single nucleotide variant.
Coding change: c.9613G>C on transcript NM_000059.4 (MANE Select); coding-DNA position 9613, G replaced by C.
Protein change: p.Ala3205Pro; replaces alanine 3205 with proline.
Molecular consequence: missense variant.
Genome position (GRCh38, 1-based): chr13:32,397,009, G>C. VCF-style: chr13-32397009-G-C. GRCh37 (hg19) VCF-style: chr13-32971146-G-C.
Other names: c.9613G>C (NM_000059.3); short protein forms A3205P.
Identifiers: ClinVar variation 1049953 (VCV001049953.8), dbSNP rs528504546, ClinGen allele CA6941416.

ClinVar aggregate classification (germline): Conflicting classifications of pathogenicity. Review status: criteria provided, conflicting classifications (1 of 4 stars). 5 submissions from 5 submitters: Uncertain significance (3); Likely benign (1). 1 of the submissions does not count toward it. Last evaluated 2025-12-29.

Conditions:
BRCA2-related cancer predisposition. Identifiers: MedGen CN377758, MONDO:0700269.
Hereditary cancer-predisposing syndrome. Also called: Tumor predisposition; Hereditary neoplastic syndrome; Hereditary Cancer Syndrome; Neoplastic Syndromes, Hereditary. Identifiers: Orphanet 140162, MedGen C0027672, MeSH D009386, MONDO:0015356.

Allele frequency attached by ClinVar (database versions not stated): gnomAD 0.00001 and 0.00002; gnomAD exomes 0.00002; ExAC 0.00003; TOPMed 0.00003; 1000 Genomes Project 30x 0.00016; 1000 Genomes Project 0.00020.
gnomAD v4.1: 34 of 1,614,018 alleles (0.0021%); highest among the groups gnomAD compares: Middle Eastern, 0.05%; no homozygotes.

Submissions (5):

Center for Genomic Medicine, Rigshospitalet, Copenhagen University Hospital
Classification: Likely benign. Last evaluated: 2025-12-29. Review status: criteria provided, single submitter. Criteria: ACMG Guidelines, 2015. Collection method: clinical testing. Allele origin: germline.
Comment: Classification criteria: BP1_strong

All of Us Research Program, National Institutes of Health
Classification: Uncertain significance for BRCA2-related cancer predisposition. Last evaluated: 2024-07-20. Review status: criteria provided, single submitter. Criteria: ACMG Guidelines, 2015. Collection method: clinical testing. Allele origin: germline. Inheritance: Autosomal dominant inheritance. Observed: 10 variant alleles, 10 heterozygotes.
Comment: This missense variant replaces alanine with proline at codon 3205 of the BRCA2 protein. Computational prediction suggests that this variant may not impact protein structure and function (internally defined REVEL score threshold <= 0.5, PMID: 27666373). To our knowledge, functional studies have not been reported for this variant. This variant has not been reported in individuals affected with BRCA2-related disorders in the literature. This variant has been identified in 6/251366 chromosomes in the general population by the Genome Aggregation Database (gnomAD). The available evidence is insufficient to determine the role of this variant in disease conclusively. Therefore, this variant is classified as a Variant of Uncertain Significance.

This study involves interpretation of variants in research participants for the purpose of population health screening. Participant phenotype was not available at the time of variant classification. Additional details can be found in publication PMID: 35346344, PMCID: PMC8962531

Color Diagnostics, LLC DBA Color Health
Classification: Uncertain significance for Hereditary cancer-predisposing syndrome. Last evaluated: 2024-03-06. Review status: criteria provided, single submitter. Criteria: ACMG Guidelines, 2015. Collection method: clinical testing. Allele origin: germline.
Comment: This missense variant replaces alanine with proline at codon 3205 of the BRCA2 protein. Computational prediction suggests that this variant may not impact protein structure and function (internally defined REVEL score threshold <= 0.5, PMID: 27666373). To our knowledge, functional studies have not been reported for this variant. This variant has not been reported in individuals affected with BRCA2-related disorders in the literature. This variant has been identified in 6/251366 chromosomes in the general population by the Genome Aggregation Database (gnomAD). The available evidence is insufficient to determine the role of this variant in disease conclusively. Therefore, this variant is classified as a Variant of Uncertain Significance.

Ambry Genetics
Classification: Uncertain significance for Hereditary cancer-predisposing syndrome. Last evaluated: 2023-01-05. Review status: criteria provided, single submitter. Criteria: Ambry Variant Classification Scheme 2023. Collection method: clinical testing. Allele origin: germline.
Comment: The p.A3205P variant (also known as c.9613G>C), located in coding exon 25 of the BRCA2 gene, results from a G to C substitution at nucleotide position 9613. The alanine at codon 3205 is replaced by proline, an amino acid with highly similar properties. This amino acid position is conserved. In addition, this alteration is predicted to be tolerated by in silico analysis. Since supporting evidence is limited at this time, the clinical significance of this alteration remains unclear.

Department of Pathology and Laboratory Medicine, Sinai Health System
Classification: Uncertain significance. Review status: no assertion criteria provided. Collection method: clinical testing. Allele origin: unknown. Affected: yes. Study: The Canadian Open Genetics Repository (COGR). Not counted in ClinVar's aggregate classification.